The following is an entry in ClinVar:

ClinVar aggregate classification (germline): Uncertain significance. Review status: criteria provided, multiple submitters, no conflicts (2 of 4 stars). 2 submissions from 2 submitters: Uncertain significance (2). Last evaluated 2022-02-14.

Conditions:
Microcephaly-intellectual disability-sensorineural hearing loss-epilepsy-abnormal muscle tone syndrome (NEDHSB). Also called: NEURODEVELOPMENTAL DISORDER WITH HEARING LOSS, SEIZURES, AND BRAIN ABNORMALITIES. Identifiers: Orphanet 457351, MedGen C4225276, MONDO:0014698, OMIM 616577.

Allele frequency attached by ClinVar (database versions not stated): gnomAD exomes below 0.00001; gnomAD 0.00003; TOPMed 0.00003.
gnomAD v4.1: 6 of 1,614,056 alleles (0.00037%); highest among the groups gnomAD compares: African/African-American, 0.0053%; no homozygotes.

Submissions (2):

Baylor Genetics
Classification: Uncertain significance for Microcephaly-intellectual disability-sensorineural hearing loss-epilepsy-abnormal muscle tone syndrome. Last evaluated: 2022-02-14. Review status: criteria provided, single submitter. Criteria: ACMG Guidelines, 2015. Collection method: clinical testing. Allele origin: unknown.

Labcorp Genetics (formerly Invitae), Labcorp
Classification: Uncertain significance for Microcephaly-intellectual disability-sensorineural hearing loss-epilepsy-abnormal muscle tone syndrome. Last evaluated: 2021-12-11. Review status: criteria provided, single submitter. Criteria: Invitae Variant Classification Sherloc (09022015). Collection method: clinical testing. Allele origin: germline.
Comment: This sequence change replaces histidine, which is basic and polar, with arginine, which is basic and polar, at codon 649 of the SPATA5 protein (p.His649Arg). This variant is present in population databases (no rsID available, gnomAD 0.01%). This variant has not been reported in the literature in individuals affected with SPATA5-related conditions. Advanced modeling of protein sequence and biophysical properties (such as structural, functional, and spatial information, amino acid conservation, physicochemical variation, residue mobility, and thermodynamic stability) performed at Invitae indicates that this missense variant is expected to disrupt SPATA5 protein function. In summary, the available evidence is currently insufficient to determine the role of this variant in disease. Therefore, it has been classified as a Variant of Uncertain Significance.

NM_145207.3(AFG2A):c.1946A>G (p.His649Arg)

Gene: AFG2A (AFG2 AAA ATPase homolog A; plus strand). Cytogenetic location: 4q28.1.
Variant type: single nucleotide variant.
Coding change: c.1946A>G on transcript NM_145207.3 (MANE Select); coding-DNA position 1946, A replaced by G.
Protein change: p.His649Arg; replaces histidine 649 with arginine.
Molecular consequence: missense variant.
Genome position (GRCh38, 1-based): chr4:123,028,262, A>G. VCF-style: chr4-123028262-A-G. GRCh37 (hg19) VCF-style: chr4-123949417-A-G.
Other names: c.1943A>G, p.His648Arg (NM_001317799.2, NM_001345856.2); short protein forms H648R, H649R.
Identifiers: ClinVar variation 1361867 (VCV001361867.3), dbSNP rs980171134, ClinGen allele CA104839876.